The following is an entry in ClinVar:

NM_001715.3(BLK):c.665G>A (p.Arg222His)

Genes: BLK (BLK proto-oncogene, Src family tyrosine kinase), BLK-AS1 (BLK antisense RNA 1). Cytogenetic location: 8p23.1.
Variant type: single nucleotide variant.
Coding change: c.665G>A on transcript NM_001715.3 (MANE Select); coding-DNA position 665, G replaced by A.
Protein change: p.Arg222His; replaces arginine 222 with histidine.
Molecular consequence: missense variant.
Genome position (GRCh38, 1-based): chr8:11,555,377, G>A. VCF-style: chr8-11555377-G-A. GRCh37 (hg19) VCF-style: chr8-11412886-G-A.
Other names: c.452G>A, p.Arg151His (NM_001330465.2); c.665G>A (NM_001715.2); short protein forms R151H, R222H.
Identifiers: ClinVar variation 2413254 (VCV002413254.8), dbSNP rs898140517, ClinGen allele CA4630025.
Genomic context (GRCh38, chr8:11,555,377, plus strand): 5'-TCTTCCCTAATGCAGAGAAGGGGGATGGTCTATGCCAGAGGCTGACCCTGCCCTGTGTGC[G>A]CCCGGCCCCGCAGAATCCCTGGGCCCAGGATGAATGGGAGATCCCCCGGCAGTCTCTCAG-3'
Protein context (NP_001706.2, residues 212-232): LCQRLTLPCV[Arg222His]PAPQNPWAQD

ClinVar aggregate classification (germline): Uncertain significance. Review status: criteria provided, single submitter (1 of 4 stars). 2 submissions from 2 submitters: Uncertain significance (1). 1 of the submissions does not count toward it. Last evaluated 2025-09-14.

Conditions:
BLK-related disorder. Also called: BLK-related condition.

Allele frequency attached by ClinVar (database versions not stated): TOPMed 0.00002.
gnomAD v4.1: 31 of 1,614,010 alleles (0.0019%); highest among the groups gnomAD compares: East Asian, 0.0089%; no homozygotes.

Submissions (2):

Labcorp Genetics (formerly Invitae), Labcorp
Classification: Uncertain significance. Last evaluated: 2025-09-14. Review status: criteria provided, single submitter. Criteria: Invitae Variant Classification Sherloc (09022015). Collection method: clinical testing. Allele origin: germline.
Comment: This sequence change replaces arginine, which is basic and polar, with histidine, which is basic and polar, at codon 222 of the BLK protein (p.Arg222His). This variant is present in population databases (no rsID available, gnomAD 0.01%). This variant has not been reported in the literature in individuals affected with BLK-related conditions. ClinVar contains an entry for this variant (Variation ID: 2413254). An algorithm developed to predict the effect of missense changes on protein structure and function (PolyPhen-2) suggests that this variant is likely to be tolerated. In summary, the available evidence is currently insufficient to determine the role of this variant in disease. Therefore, it has been classified as a Variant of Uncertain Significance.

PreventionGenetics, part of Exact Sciences
Classification: Uncertain significance for BLK-related condition. Last evaluated: 2024-01-08. Review status: no assertion criteria provided. Collection method: clinical testing. Allele origin: germline. Not counted in ClinVar's aggregate classification.
Comment: The BLK c.665G>A variant is predicted to result in the amino acid substitution p.Arg222His. To our knowledge, this variant has not been reported in the literature. This variant is reported in 0.016% of alleles in individuals of East Asian descent in gnomAD. Although we suspect that this variant may be benign, at this time, the clinical significance of this variant is uncertain due to the absence of conclusive functional and genetic evidence.